The following is an entry in ClinVar:

NM_001999.4(FBN2):c.6623G>A (p.Gly2208Glu)

Gene: FBN2 (fibrillin 2; minus strand). Cytogenetic location: 5q23.3.
Variant type: single nucleotide variant.
Coding change: c.6623G>A on transcript NM_001999.4 (MANE Select); coding-DNA position 6623, G replaced by A.
Protein change: p.Gly2208Glu; replaces glycine 2208 with glutamic acid.
Molecular consequence: missense variant.
Genome position (GRCh38, 1-based): chr5:128,289,141, C>T on the plus strand (G>A on the coding strand, the complement: FBN2 is on the minus strand). VCF-style: chr5-128289141-C-T. GRCh37 (hg19) VCF-style: chr5-127624833-C-T.
Other names: short protein forms G2208E.
Identifiers: ClinVar variation 1060279 (VCV001060279.8), dbSNP rs200489152, ClinGen allele CA127033317.
Genomic context (GRCh38, chr5:128,289,141, plus strand): 5'-AGTAAAATAGAACTTTAAAATTCTGTAATGTGGAGCCAACACTCACCCACACAGCGTACT[C>T]CAGTGTAGTCAAGGTTGTAGCCCATTGGACATTCACAGCGAAAAGATCCGTCGGTGTTGA-3'
Protein context (NP_001990.2, residues 2198-2218): CPMGYNLDYT[Gly2208Glu]VRCVDTDECS

ClinVar aggregate classification (germline): Uncertain significance. Review status: criteria provided, multiple submitters, no conflicts (2 of 4 stars). 3 submissions from 3 submitters: Uncertain significance (3). Last evaluated 2025-10-29.

Conditions:
Familial thoracic aortic aneurysm and aortic dissection (TAAD). Also called: Thoracic aortic aneurysms and dissections. Identifiers: Orphanet 91387, MedGen C4707243, MONDO:0019625.
Congenital contractural arachnodactyly (CCA). Also called: BEALS SYNDROME; Beals-Hecht syndrome; Arthrogryposis, distal, type 9. Identifiers: Orphanet 115, MedGen C0220668, MONDO:0007363, OMIM 121050.

Allele frequency attached by ClinVar (database versions not stated): gnomAD exomes below 0.00001 and 0.00001.
gnomAD v4.1: 5 of 1,613,888 alleles (0.00031%); highest among the groups gnomAD compares: Non-Finnish European, 0.00042%; no homozygotes.

Submissions (3):

Labcorp Genetics (formerly Invitae), Labcorp
Classification: Uncertain significance for Congenital contractural arachnodactyly. Last evaluated: 2025-10-29. Review status: criteria provided, single submitter. Criteria: Invitae Variant Classification Sherloc (09022015). Collection method: clinical testing. Allele origin: germline.
Comment: This sequence change replaces glycine, which is neutral and non-polar, with glutamic acid, which is acidic and polar, at codon 2208 of the FBN2 protein (p.Gly2208Glu). This variant is present in population databases (rs200489152, gnomAD 0.0009%). This variant has not been reported in the literature in individuals affected with FBN2-related conditions. ClinVar contains an entry for this variant (Variation ID: 1060279). Invitae Evidence Modeling of protein sequence and biophysical properties (such as structural, functional, and spatial information, amino acid conservation, physicochemical variation, residue mobility, and thermodynamic stability) has been performed for this missense variant. However, the output from this modeling did not meet the statistical confidence thresholds required to predict the impact of this variant on FBN2 protein function. In summary, the available evidence is currently insufficient to determine the role of this variant in disease. Therefore, it has been classified as a Variant of Uncertain Significance.

Blueprint Genetics
Classification: Uncertain significance. Last evaluated: 2024-10-17. Review status: criteria provided, single submitter. Criteria: ACMG Guidelines, 2015. Collection method: clinical testing. Allele origin: germline.

Ambry Genetics
Classification: Uncertain significance for Familial thoracic aortic aneurysm and aortic dissection. Last evaluated: 2020-03-03. Review status: criteria provided, single submitter. Criteria: Ambry Variant Classification Scheme 2023. Collection method: clinical testing. Allele origin: germline.
Comment: The p.G2208E variant (also known as c.6623G>A), located in coding exon 52 of the FBN2 gene, results from a G to A substitution at nucleotide position 6623. The glycine at codon 2208 is replaced by glutamic acid, an amino acid with similar properties. This amino acid position is highly conserved in available vertebrate species. In addition, this alteration is predicted to be deleterious by in silico analysis. Since supporting evidence is limited at this time, the clinical significance of this alteration remains unclear.